The following is an entry in ClinVar:

NM_006859.4(LIAS):c.563G>C (p.Gly188Ala)

Gene: LIAS (lipoic acid synthetase; plus strand). Cytogenetic location: 4p14.
Variant type: single nucleotide variant.
Coding change: c.563G>C on transcript NM_006859.4 (MANE Select); coding-DNA position 563, G replaced by C.
Protein change: p.Gly188Ala; replaces glycine 188 with alanine.
Molecular consequence: missense variant. On other transcripts: intron variant (1).
Genome position (GRCh38, 1-based): chr4:39,465,297, G>C. VCF-style: chr4-39465297-G-C. GRCh37 (hg19) VCF-style: chr4-39466917-G-C.
Other names: c.563G>C, p.Gly188Ala (NM_001278590.2, NM_194451.3); c.299+1692G>C (NM_001363700.2); short protein forms G188A.
Identifiers: ClinVar variation 582263 (VCV000582263.8), dbSNP rs1210720598, ClinGen allele CA356664718.

ClinVar aggregate classification (germline): Uncertain significance (1 of 4 stars; one submission).

Conditions:
Lipoic acid synthetase deficiency. Also called: HYPERGLYCINEMIA, LACTIC ACIDOSIS, AND SEIZURES. Identifiers: Orphanet 401859, MedGen C3280887, MONDO:0013762, OMIM 614462.

Allele frequency attached by ClinVar (database versions not stated): gnomAD exomes below 0.00001; TOPMed below 0.00001; gnomAD 0.00001.
gnomAD v4.1: 2 of 1,612,668 alleles (0.00012%); highest among the groups gnomAD compares: African/African-American, 0.0027%; no homozygotes.

Submission:

Labcorp Genetics (formerly Invitae), Labcorp
Classification: Uncertain significance for Lipoic acid synthetase deficiency. Last evaluated: 2022-02-03. Review status: criteria provided, single submitter. Criteria: Invitae Variant Classification Sherloc (09022015). Collection method: clinical testing. Allele origin: germline.
Comment: In summary, the available evidence is currently insufficient to determine the role of this variant in disease. Therefore, it has been classified as a Variant of Uncertain Significance. Algorithms developed to predict the effect of missense changes on protein structure and function (SIFT, PolyPhen-2, Align-GVGD) all suggest that this variant is likely to be disruptive. ClinVar contains an entry for this variant (Variation ID: 582263). This variant has not been reported in the literature in individuals affected with LIAS-related conditions. This variant is present in population databases (no rsID available, gnomAD 0.007%). This sequence change replaces glycine, which is neutral and non-polar, with alanine, which is neutral and non-polar, at codon 188 of the LIAS protein (p.Gly188Ala).